The following is an entry in ClinVar:

NM_000268.4(NF2):c.1258G>A (p.Glu420Lys)

Gene: NF2 (NF2, moesin-ezrin-radixin like (MERLIN) tumor suppressor; plus strand). Cytogenetic location: 22q12.2.
Variant type: single nucleotide variant.
Coding change: c.1258G>A on transcript NM_000268.4 (MANE Select); coding-DNA position 1258, G replaced by A.
Protein change: p.Glu420Lys; replaces glutamic acid 420 with lysine.
Molecular consequence: missense variant. On other transcripts: intron variant (1).
Genome position (GRCh38, 1-based): chr22:29,673,404, G>A. VCF-style: chr22-29673404-G-A. GRCh37 (hg19) VCF-style: chr22-30069393-G-A.
Other names: c.1144G>A, p.Glu382Lys (NM_001407053.1, NM_001407056.1); c.1135G>A, p.Glu379Lys (NM_001407054.1, NM_001407058.1, NM_181829.3); c.1132G>A, p.Glu378Lys (NM_001407055.1, NM_181828.3); c.1123G>A, p.Glu375Lys (NM_001407057.1, NM_001407059.1); c.1258G>A, p.Glu420Lys (NM_001407060.1, NM_001407066.1, NM_016418.5 and 2 more transcripts); c.1000G>A, p.Glu334Lys (NM_001407062.1); c.1009G>A, p.Glu337Lys (NM_001407063.1, NM_001407064.1, NM_181830.3 and 1 more transcripts); c.724G>A, p.Glu242Lys (NM_001407065.1); and 2 more; short protein forms E242K, E334K, E337K, E343K, E375K, E378K, E379K, E382K.
Identifiers: ClinVar variation 4806865 (VCV004806865.1).

ClinVar aggregate classification (germline): Uncertain significance (1 of 4 stars; one submission).

Conditions:
Neurofibromatosis, type 2 (SWNV). Also called: BILATERAL ACOUSTIC NEUROFIBROMATOSIS; NF2-Related Schwannomatosis; SCHWANNOMATOSIS, VESTIBULAR. Identifiers: Orphanet 637, MedGen C0027832, MONDO:0007039, OMIM 101000. Disease mechanism: loss of function.

gnomAD v4.1: 1 of 1,612,606 alleles (0.000062%); highest among the groups gnomAD compares: Non-Finnish European, 0.000085%; no homozygotes.

Submission:

Labcorp Genetics (formerly Invitae), Labcorp
Classification: Uncertain significance for Neurofibromatosis, type 2. Last evaluated: 2026-02-02. Review status: criteria provided, single submitter. Criteria: Invitae Variant Classification Sherloc (09022015). Collection method: clinical testing. Allele origin: germline.
Comment: This sequence change replaces glutamic acid, which is acidic and polar, with lysine, which is basic and polar, at codon 420 of the NF2 protein (p.Glu420Lys). This variant is present in population databases (rs758128105, gnomAD 0.0009%). This variant has not been reported in the literature in individuals affected with NF2-related conditions. Invitae Evidence Modeling of protein sequence and biophysical properties (such as structural, functional, and spatial information, amino acid conservation, physicochemical variation, residue mobility, and thermodynamic stability) indicates that this missense variant is not expected to disrupt NF2 protein function with a negative predictive value of 80%. In summary, the available evidence is currently insufficient to determine the role of this variant in disease. Therefore, it has been classified as a Variant of Uncertain Significance.